The following is an entry in ClinVar:

NM_018136.5(ASPM):c.4661A>G (p.His1554Arg)

Gene: ASPM (assembly factor for spindle microtubules; minus strand). Cytogenetic location: 1q31.3.
Variant type: single nucleotide variant.
Coding change: c.4661A>G on transcript NM_018136.5 (MANE Select); coding-DNA position 4661, A replaced by G.
Protein change: p.His1554Arg; replaces histidine 1554 with arginine.
Molecular consequence: missense variant. On other transcripts: intron variant (1).
Genome position (GRCh38, 1-based): chr1:197,104,590, T>C on the plus strand (A>G on the coding strand, the complement: ASPM is on the minus strand). VCF-style: chr1-197104590-T-C. GRCh37 (hg19) VCF-style: chr1-197073720-T-C.
Other names: c.4066-8426A>G (NM_001206846.2); short protein forms H1554R.
Identifiers: ClinVar variation 1421114 (VCV001421114.6), dbSNP rs768039817, ClinGen allele CA1309890.

ClinVar aggregate classification (germline): Uncertain significance (1 of 4 stars; one submission).

Allele frequency attached by ClinVar (database versions not stated): ExAC 0.00001.
gnomAD v4.1: 1 of 1,612,930 alleles (0.000062%); highest among the groups gnomAD compares: South Asian, 0.0011%; no homozygotes.

Submission:

Labcorp Genetics (formerly Invitae), Labcorp
Classification: Uncertain significance. Last evaluated: 2022-07-05. Review status: criteria provided, single submitter. Criteria: Invitae Variant Classification Sherloc (09022015). Collection method: clinical testing. Allele origin: germline.
Comment: This sequence change replaces histidine, which is basic and polar, with arginine, which is basic and polar, at codon 1554 of the ASPM protein (p.His1554Arg). This variant is present in population databases (rs768039817, gnomAD 0.003%). This variant has not been reported in the literature in individuals affected with ASPM-related conditions. ClinVar contains an entry for this variant (Variation ID: 1421114). Algorithms developed to predict the effect of missense changes on protein structure and function output the following: SIFT: "Tolerated"; PolyPhen-2: "Benign"; Align-GVGD: "Class C0". The arginine amino acid residue is found in multiple mammalian species, which suggests that this missense change does not adversely affect protein function. Algorithms developed to predict the effect of sequence changes on RNA splicing suggest that this variant may create or strengthen a splice site. In summary, the available evidence is currently insufficient to determine the role of this variant in disease. Therefore, it has been classified as a Variant of Uncertain Significance.